The following is an entry in ClinVar:

ClinVar aggregate classification (germline): Likely pathogenic (1 of 4 stars; one submission).

Allele frequency attached by ClinVar (database versions not stated): TOPMed below 0.00001; gnomAD exomes 0.00001 and 0.00003; ExAC 0.00002; ESP Exome Variant Server 0.00008.
gnomAD v4.1: 47 of 1,506,372 alleles (0.0031%); highest among the groups gnomAD compares: Non-Finnish European, 0.0041%; no homozygotes.

Submissions (2):

Labcorp Genetics (formerly Invitae), Labcorp
Classification: Likely pathogenic. Last evaluated: 2021-07-09. Review status: criteria provided, single submitter. Criteria: Invitae Variant Classification Sherloc (09022015). Collection method: clinical testing. Allele origin: germline.
Comment: In summary, the currently available evidence indicates that the variant is pathogenic, but additional data are needed to prove that conclusively. Therefore, this variant has been classified as Likely Pathogenic. Algorithms developed to predict the effect of sequence changes on RNA splicing suggest that this variant may disrupt the consensus splice site, but this prediction has not been confirmed by published transcriptional studies. This variant has not been reported in the literature in individuals with MMP13-related conditions. This variant is present in population databases (rs368922836, ExAC 0.003%). This sequence change affects an acceptor splice site in intron 8 of the MMP13 gene. It is expected to disrupt RNA splicing. Variants that disrupt the donor or acceptor splice site typically lead to a loss of protein function (PMID: 16199547), and loss-of-function variants in MMP13 are known to be pathogenic (PMID: 24781753, 31413057).

Dr. Peter K. Rogan Lab, Western University
No classification provided (evidence only). Condition: Lung cancer. Review status: no classification provided. Collection method: in vitro. Allele origin: not applicable. Functional consequence: retained intron. Not counted in ClinVar's aggregate classification.

Literature cited by the submitters: PubMed 16199547 (cited by Labcorp Genetics (formerly Invitae), Labcorp); PubMed 24781753 (cited by Labcorp Genetics (formerly Invitae), Labcorp); PubMed 31413057 (cited by Labcorp Genetics (formerly Invitae), Labcorp).

NM_002427.4(MMP13):c.1212-1G>T

Gene: MMP13 (matrix metallopeptidase 13; minus strand). Cytogenetic location: 11q22.2.
Variant type: single nucleotide variant.
Coding change: c.1212-1G>T on transcript NM_002427.4 (MANE Select); the canonical splice acceptor site of the intron before coding-DNA position 1212, G replaced by T.
Molecular consequence: splice acceptor variant.
Genome position (GRCh38, 1-based): chr11:102,945,750, C>A on the plus strand (G>T on the coding strand, the complement: MMP13 is on the minus strand). VCF-style: chr11-102945750-C-A. GRCh37 (hg19) VCF-style: chr11-102816479-C-A.
Identifiers: ClinVar variation 1470817 (VCV001470817.9), dbSNP rs368922836, ClinGen allele CA6251739.